The following is an entry in ClinVar:

ClinVar aggregate classification (germline): Uncertain significance. Review status: criteria provided, multiple submitters, no conflicts (2 of 4 stars). 2 submissions from 2 submitters: Uncertain significance (2). Last evaluated 2025-08-31.

Conditions:
Inborn genetic diseases. Identifiers: MedGen C0950123, MeSH D030342.

gnomAD v4.1: 2 of 1,613,958 alleles (0.00012%); highest among the groups gnomAD compares: Non-Finnish European, 0.00017%; no homozygotes.

Submissions (2):

Ambry Genetics
Classification: Uncertain significance for Inborn genetic diseases. Last evaluated: 2025-08-31. Review status: criteria provided, single submitter. Criteria: Ambry Variant Classification Scheme 2023. Collection method: clinical testing. Allele origin: germline.

GeneDx
Classification: Uncertain significance. Last evaluated: 2022-12-16. Review status: criteria provided, single submitter. Criteria: GeneDx Variant Classification Process June 2021. Collection method: clinical testing. Allele origin: germline.
Comment: Not observed at significant frequency in large population cohorts (gnomAD); In silico analysis supports that this missense variant does not alter protein structure/function; Has not been previously published as pathogenic or benign to our knowledge

NM_021224.6(ZNF462):c.7111A>T (p.Met2371Leu)

Genes: ZNF462 (zinc finger protein 462; plus strand), LOC340512 (uncharacterized LOC340512; minus strand). Cytogenetic location: 9q31.2.
Variant type: single nucleotide variant.
Coding change: c.7111A>T on transcript NM_021224.6 (MANE Select); coding-DNA position 7111, A replaced by T.
Protein change: p.Met2371Leu; replaces methionine 2371 with leucine.
Molecular consequence: missense variant.
Genome position (GRCh38, 1-based): chr9:107,003,348, A>T. VCF-style: chr9-107003348-A-T. GRCh37 (hg19) VCF-style: chr9-109765629-A-T.
Other names: c.4516A>T, p.Met1506Leu (NM_001347997.2); short protein forms M1506L, M2371L.
Identifiers: ClinVar variation 1712574 (VCV001712574.4), dbSNP rs2539822070, ClinGen allele CA374660948.
Genomic context (GRCh38, chr9:107,003,348, plus strand): 5'-TTTCAGGTAAGCCGTAACTTTGAGCTGGTTGGACGGGTTAACTTGGATCAGCTGGAACAG[A>T]TGAAGGAGAAAATGGAGAGCTCCAGCAGCGATGATGAGGACAAGGAAGAAGAAATGAACA-3'
Protein context (NP_067047.4, residues 2361-2381): GRVNLDQLEQ[Met2371Leu]KEKMESSSSD